The following is an entry in ClinVar:

NM_001987.5(ETV6):c.95C>T (p.Pro32Leu)

Gene: ETV6 (ETS variant transcription factor 6; plus strand). Cytogenetic location: 12p13.2.
Variant type: single nucleotide variant.
Coding change: c.95C>T on transcript NM_001987.5 (MANE Select); coding-DNA position 95, C replaced by T.
Protein change: p.Pro32Leu; replaces proline 32 with leucine.
Molecular consequence: missense variant. On other transcripts: intron variant (1).
Genome position (GRCh38, 1-based): chr12:11,752,511, C>T. VCF-style: chr12-11752511-C-T. GRCh37 (hg19) VCF-style: chr12-11905445-C-T.
Other names: c.92C>T, p.Pro31Leu (NM_001413913.1); c.68C>T, p.Pro23Leu (NM_001413914.1); c.95C>T, p.Pro32Leu (NM_001413916.1, NM_001413917.1, NM_001413918.1); c.-101-86629C>T (NM_001413915.1); short protein forms P32L, P23L, P31L.
Identifiers: ClinVar variation 4020111 (VCV004020111.1).

ClinVar aggregate classification (germline): Uncertain significance (1 of 4 stars; one submission).

Conditions:
Inborn genetic diseases. Identifiers: MedGen C0950123, MeSH D030342.

Submission:

Ambry Genetics
Classification: Uncertain significance for Inborn genetic diseases. Last evaluated: 2025-05-31. Review status: criteria provided, single submitter. Criteria: Ambry Variant Classification Scheme 2023. Collection method: clinical testing. Allele origin: germline.
Comment: The p.P32L variant (also known as c.95C>T), located in coding exon 2 of the ETV6 gene, results from a C to T substitution at nucleotide position 95. The proline at codon 32 is replaced by leucine, an amino acid with similar properties. This amino acid position is conserved. In addition, the in silico prediction for this alteration is inconclusive. Based on the available evidence, the clinical significance of this variant remains unclear.